The following is an entry in ClinVar:

NM_006767.4(LZTR1):c.2246A>G (p.Tyr749Cys)

Gene: LZTR1 (leucine zipper like post translational regulator 1; plus strand). Cytogenetic location: 22q11.21.
Variant type: single nucleotide variant.
Coding change: c.2246A>G on transcript NM_006767.4 (MANE Select); coding-DNA position 2246, A replaced by G.
Protein change: p.Tyr749Cys; replaces tyrosine 749 with cysteine.
Molecular consequence: missense variant.
Genome position (GRCh38, 1-based): chr22:20,996,722, A>G. VCF-style: chr22-20996722-A-G. GRCh37 (hg19) VCF-style: chr22-21351011-A-G.
Other names: short protein forms Y749C.
Identifiers: ClinVar variation 549754 (VCV000549754.16), dbSNP rs755260815, ClinGen allele CA10119315.

ClinVar aggregate classification (germline): Uncertain significance. Review status: criteria provided, multiple submitters, no conflicts (2 of 4 stars). 6 submissions from 6 submitters: Uncertain significance (5). 1 of the submissions does not count toward it. Last evaluated 2025-03-23.

Conditions:
LZTR1-related disorder. Also called: LZTR1-related disorders; LZTR1-related condition.
Cardiovascular phenotype. Identifiers: MedGen CN230736.
Hereditary cancer-predisposing syndrome. Also called: Hereditary neoplastic syndrome; Tumor predisposition; Neoplastic Syndromes, Hereditary; Hereditary Cancer Syndrome. Identifiers: Orphanet 140162, MedGen C0027672, MeSH D009386, MONDO:0015356.
LZTR1-related schwannomatosis. Also called: Schwannomatosis 2; Schwannomatosis-2, susceptibility to. Identifiers: Orphanet 93921, MedGen C3810283, MONDO:0014299, OMIM 615670.
Noonan syndrome 2 (NS2). Identifiers: Orphanet 648, MedGen C1854469, MONDO:0011531, OMIM 605275.

Allele frequency attached by ClinVar (database versions not stated): gnomAD exomes below 0.00001 and 0.00001; ExAC 0.00001; gnomAD 0.00001; TOPMed 0.00001.

Submissions (6):

Labcorp Genetics (formerly Invitae), Labcorp
Classification: Uncertain significance. Last evaluated: 2025-03-23. Review status: criteria provided, single submitter. Criteria: Invitae Variant Classification Sherloc (09022015). Collection method: clinical testing. Allele origin: germline.
Comment: This sequence change replaces tyrosine, which is neutral and polar, with cysteine, which is neutral and slightly polar, at codon 749 of the LZTR1 protein (p.Tyr749Cys). This variant is present in population databases (rs755260815, gnomAD 0.003%). This missense change has been observed in individual(s) with autosomal recessive Noonan syndrome (PMID: 30859559). In at least one individual the data is consistent with being in trans (on the opposite chromosome) from a pathogenic variant. ClinVar contains an entry for this variant (Variation ID: 549754). Invitae Evidence Modeling of protein sequence and biophysical properties (such as structural, functional, and spatial information, amino acid conservation, physicochemical variation, residue mobility, and thermodynamic stability) indicates that this missense variant is not expected to disrupt LZTR1 protein function with a negative predictive value of 80%. This variant disrupts the p.Tyr749 amino acid residue in LZTR1. Other variant(s) that disrupt this residue have been observed in individuals with LZTR1-related conditions (PMID: 31825158), which suggests that this may be a clinically significant amino acid residue. In summary, the available evidence is currently insufficient to determine the role of this variant in disease. Therefore, it has been classified as a Variant of Uncertain Significance.

Blueprint Genetics
Classification: Uncertain significance. Last evaluated: 2024-11-26. Review status: criteria provided, single submitter. Criteria: ACMG Guidelines, 2015. Collection method: clinical testing. Allele origin: germline.

Baylor Genetics
Classification: Uncertain significance for LZTR1-related schwannomatosis. Last evaluated: 2023-09-10. Review status: criteria provided, single submitter. Criteria: ACMG Guidelines, 2015. Collection method: clinical testing. Allele origin: unknown.

Ambry Genetics
Classification: Uncertain significance for Cardiovascular phenotype; Hereditary cancer-predisposing syndrome. Last evaluated: 2021-04-21. Review status: criteria provided, single submitter. Criteria: Ambry Variant Classification Scheme 2023. Collection method: clinical testing. Allele origin: germline.
Comment: The p.Y749C variant (also known as c.2246A>G), located in coding exon 19 of the LZTR1 gene, results from an A to G substitution at nucleotide position 2246. The tyrosine at codon 749 is replaced by cysteine, an amino acid with highly dissimilar properties. This alteration has been reported as a variant of uncertain significance in trans with the c.1407G>A; This amino acid position is highly conserved in available vertebrate species. In addition, this alteration is predicted to be deleterious by in silico analysis. Since supporting evidence is limited at this time, the clinical significance of this alteration remains unclear.

Clinical and Biomedical Sciences, University of Exeter
Classification: Uncertain significance for Noonan syndrome 2. Last evaluated: 2018-07-02. Review status: criteria provided, single submitter. Criteria: ACMG Guidelines, 2015. Collection method: research. Allele origin: maternal. Affected: yes. Observed: 1 variant allele.

PreventionGenetics, part of Exact Sciences
Classification: Uncertain significance for LZTR1-related condition. Last evaluated: 2024-03-25. Review status: no assertion criteria provided. Collection method: clinical testing. Allele origin: germline. Not counted in ClinVar's aggregate classification.
Comment: The LZTR1 c.2246A>G variant is predicted to result in the amino acid substitution p.Tyr749Cys. This variant was reported in the compound heterozygous state in an individual with Noonan syndrome with severe hypertrophic cardiomyopathy (Pagnamenta et al. 2019. PubMed ID: 30859559). This variant is reported in 0.0033% of alleles in individuals of South Asian descent in gnomAD. At this time, the clinical significance of this variant is uncertain due to the absence of conclusive functional and genetic evidence.

Literature cited by the submitters: PubMed 30859559 (cited by Labcorp Genetics (formerly Invitae), Labcorp); PubMed 31825158 (cited by Labcorp Genetics (formerly Invitae), Labcorp).